The following is an entry in ClinVar:

ClinVar aggregate classification (germline): Uncertain significance. Review status: criteria provided, multiple submitters, no conflicts (2 of 4 stars). 3 submissions from 3 submitters: Uncertain significance (3). Last evaluated 2023-05-22.

Conditions:
Pierson syndrome. Also called: MICROCORIA-CONGENITAL NEPHROTIC SYNDROME. Identifiers: Orphanet 2670, MedGen C1836876, MONDO:0012184, OMIM 609049.
LAMB2-related infantile-onset nephrotic syndrome. Also called: NEPHROTIC SYNDROME, TYPE 5, WITHOUT OCULAR ABNORMALITIES; NEPHROTIC SYNDROME, TYPE 5, WITH OCULAR ABNORMALITIES; Nephrotic Syndrome, type 5. Identifiers: Orphanet 306507, MedGen C3280113, MONDO:0013621, OMIM 614199.
Inborn genetic diseases. Identifiers: MedGen C0950123, MeSH D030342.

Allele frequency attached by ClinVar (database versions not stated): gnomAD 0.00001; gnomAD exomes 0.00001; TOPMed 0.00002.
gnomAD v4.1: 12 of 1,613,984 alleles (0.00074%); highest among the groups gnomAD compares: South Asian, 0.0044%; 1 homozygote.

Submissions (3):

Labcorp Genetics (formerly Invitae), Labcorp
Classification: Uncertain significance for LAMB2-related infantile-onset nephrotic syndrome; Pierson syndrome. Last evaluated: 2023-05-22. Review status: criteria provided, single submitter. Criteria: Invitae Variant Classification Sherloc (09022015). Collection method: clinical testing. Allele origin: germline.
Comment: In summary, the available evidence is currently insufficient to determine the role of this variant in disease. Therefore, it has been classified as a Variant of Uncertain Significance. An algorithm developed to predict the effect of missense changes on protein structure and function (PolyPhen-2) suggests that this variant is likely to be disruptive. ClinVar contains an entry for this variant (Variation ID: 472469). This variant has not been reported in the literature in individuals affected with LAMB2-related conditions. This variant is not present in population databases (gnomAD no frequency). This sequence change replaces arginine, which is basic and polar, with histidine, which is basic and polar, at codon 453 of the LAMB2 protein (p.Arg453His).

Ambry Genetics
Classification: Uncertain significance for Inborn genetic diseases. Last evaluated: 2023-04-25. Review status: criteria provided, single submitter. Criteria: Ambry Variant Classification Scheme 2023. Collection method: clinical testing. Allele origin: germline.

Fulgent Genetics
Classification: Uncertain significance for Pierson syndrome; LAMB2-related infantile-onset nephrotic syndrome. Last evaluated: 2022-05-04. Review status: criteria provided, single submitter. Criteria: ACMG Guidelines, 2015. Collection method: clinical testing. Allele origin: unknown.

NM_002292.4(LAMB2):c.1358G>A (p.Arg453His)

Gene: LAMB2 (laminin subunit beta 2; minus strand). Cytogenetic location: 3p21.31.
Variant type: single nucleotide variant.
Coding change: c.1358G>A on transcript NM_002292.4 (MANE Select); coding-DNA position 1358, G replaced by A.
Protein change: p.Arg453His; replaces arginine 453 with histidine.
Molecular consequence: missense variant.
Genome position (GRCh38, 1-based): chr3:49,129,886, C>T on the plus strand (G>A on the coding strand, the complement: LAMB2 is on the minus strand). VCF-style: chr3-49129886-C-T. GRCh37 (hg19) VCF-style: chr3-49167319-C-T.
Other names: short protein forms R453H.
Identifiers: ClinVar variation 472469 (VCV000472469.6), dbSNP rs1428596182, ClinGen allele CA352740820.